The following is an entry in ClinVar:

ClinVar aggregate classification (germline): Uncertain significance. Review status: criteria provided, multiple submitters, no conflicts (2 of 4 stars). 4 submissions from 4 submitters: Uncertain significance (4). Last evaluated 2025-12-27.

Conditions:
Myopathy, tubular aggregate, 1 (TAM1). Identifiers: MedGen C4011726, MONDO:0024531, OMIM 160565.
Combined immunodeficiency due to STIM1 deficiency. Also called: IMMUNODEFICIENCY 10; STIM1 DEFICIENCY. Identifiers: Orphanet 169090, Orphanet 317430, MedGen C2748557, MONDO:0013008, OMIM 612783.
Stormorken syndrome (STRMK). Also called: THROMBOCYTOPATHY, ASPLENIA, AND MIOSIS. Identifiers: Orphanet 3204, MedGen C1861451, MONDO:0008497, OMIM 185070.
Myopathy with tubular aggregates (TAM). Also called: Tubular Aggregate Myopathy. Identifiers: Orphanet 2593, MedGen C0410207, MONDO:0008051.
Inborn genetic diseases. Identifiers: MedGen C0950123, MeSH D030342.

Allele frequency attached by ClinVar (database versions not stated): TOPMed below 0.00001; ExAC 0.00001; gnomAD exomes 0.00001 and 0.00002.
gnomAD v4.1: 9 of 1,614,270 alleles (0.00056%); highest among the groups gnomAD compares: East Asian, 0.0022%; no homozygotes.

Submissions (4):

Labcorp Genetics (formerly Invitae), Labcorp
Classification: Uncertain significance for Myopathy with tubular aggregates; Combined immunodeficiency due to STIM1 deficiency; Stormorken syndrome. Last evaluated: 2025-12-27. Review status: criteria provided, single submitter. Criteria: Invitae Variant Classification Sherloc (09022015). Collection method: clinical testing. Allele origin: germline.
Comment: This sequence change replaces arginine, which is basic and polar, with cysteine, which is neutral and slightly polar, at codon 465 of the STIM1 protein (p.Arg465Cys). This variant is present in population databases (rs749694629, gnomAD 0.006%). This variant has not been reported in the literature in individuals affected with STIM1-related conditions. ClinVar contains an entry for this variant (Variation ID: 849806). Invitae Evidence Modeling of protein sequence and biophysical properties (such as structural, functional, and spatial information, amino acid conservation, physicochemical variation, residue mobility, and thermodynamic stability) has been performed for this missense variant. However, the output from this modeling did not meet the statistical confidence thresholds required to predict the impact of this variant on STIM1 protein function. In summary, the available evidence is currently insufficient to determine the role of this variant in disease. Therefore, it has been classified as a Variant of Uncertain Significance.

Ambry Genetics
Classification: Uncertain significance for Inborn genetic diseases. Last evaluated: 2025-08-05. Review status: criteria provided, single submitter. Criteria: Ambry Variant Classification Scheme 2023. Collection method: clinical testing. Allele origin: germline.

Department of Pathology and Laboratory Medicine, Sinai Health System
Classification: Uncertain significance for Myopathy, tubular aggregate, 1; Stormorken syndrome; Combined immunodeficiency due to STIM1 deficiency. Last evaluated: 2021-10-21. Review status: criteria provided, single submitter. Criteria: ACMG Guidelines, 2015. Collection method: research. Allele origin: germline.

Blueprint Genetics
Classification: Uncertain significance. Last evaluated: 2021-07-19. Review status: criteria provided, single submitter. Criteria: ACMG Guidelines, 2015. Collection method: clinical testing. Allele origin: germline.

NM_001382567.1(STIM1):c.1393C>T (p.Arg465Cys)

Gene: STIM1 (stromal interaction molecule 1; plus strand). Cytogenetic location: 11p15.4.
Variant type: single nucleotide variant.
Coding change: c.1393C>T on transcript NM_001382567.1 (MANE Select); coding-DNA position 1393, C replaced by T.
Protein change: p.Arg465Cys; replaces arginine 465 with cysteine.
Molecular consequence: missense variant. On other transcripts: non-coding transcript variant (2).
Genome position (GRCh38, 1-based): chr11:4,083,417, C>T. VCF-style: chr11-4083417-C-T. GRCh37 (hg19) VCF-style: chr11-4104647-C-T.
Other names: c.1393C>T, p.Arg465Cys (NM_001277961.3, NM_001277962.2, NM_003156.4); c.1171C>T, p.Arg391Cys (NM_001382566.1, NM_001382573.1, NM_001382575.1 and 4 more transcripts); c.1414C>T, p.Arg472Cys (NM_001382568.1); c.1258C>T, p.Arg420Cys (NM_001382569.1); c.1165C>T, p.Arg389Cys (NM_001382570.1); c.913C>T, p.Arg305Cys (NM_001382571.1); c.904C>T, p.Arg302Cys (NM_001382580.1, NM_001382581.1); short protein forms R465C, R302C, R305C, R389C, R391C, R420C, R472C.
Identifiers: ClinVar variation 849806 (VCV000849806.13), dbSNP rs749694629, ClinGen allele CA5830457.